The following is an entry in ClinVar:

ClinVar aggregate classification (germline): Uncertain significance (1 of 4 stars; one submission).

Conditions:
Congenital anomalies of kidney and urinary tract 3. Identifiers: MedGen C4748921, MONDO:0032646, OMIM 618270.

Allele frequency attached by ClinVar (database versions not stated): gnomAD exomes below 0.00001.
gnomAD v4.1: 1 of 1,613,898 alleles (0.000062%); highest among the groups gnomAD compares: Non-Finnish European, 0.000085%; no homozygotes.

Submission:

MVZ Medizinische Genetik Mainz
Classification: Uncertain significance for Congenital anomalies of kidney and urinary tract 3. Last evaluated: 2023-06-02. Review status: criteria provided, single submitter. Criteria: UK Practice Guidelines For Variant Classification V4 01 2020. Collection method: clinical testing. Allele origin: germline. Inheritance: Autosomal dominant inheritance. Affected: yes. Observed: 1 variant allele.
Comment: ACMG Criteria: PM2_SUP, PP3

NM_003489.4(NRIP1):c.739G>A (p.Val247Met)

Gene: NRIP1 (nuclear receptor interacting protein 1; minus strand). Cytogenetic location: 21q11.2.
Variant type: single nucleotide variant.
Coding change: c.739G>A on transcript NM_003489.4 (MANE Select); coding-DNA position 739, G replaced by A.
Protein change: p.Val247Met; replaces valine 247 with methionine.
Molecular consequence: missense variant.
Genome position (GRCh38, 1-based): chr21:14,967,454, C>T on the plus strand (G>A on the coding strand, the complement: NRIP1 is on the minus strand). VCF-style: chr21-14967454-C-T. GRCh37 (hg19) VCF-style: chr21-16339775-C-T.
Other names: short protein forms V247M.
Identifiers: ClinVar variation 3236105 (VCV003236105.1), dbSNP rs2516288931, ClinGen allele CA409831635.
Genomic context (GRCh38, chr21:14,967,454, plus strand): 5'-CTAACTGGCTACAAGCAACACTAGGTTTAGGTGAGGTGGCAGGACTAGCCCTTTTTTCCA[C>T]CATGCTTGCAACAGCCTGTAATCTTGCAGCACATGACAACGGTTCACTCATGACCTTTGT-3'
Protein context (NP_003480.2, residues 237-257): AARLQAVASM[Val247Met]EKRASPATSP